The following is an entry in ClinVar:

ClinVar aggregate classification (germline): Uncertain significance (1 of 4 stars; one submission).

Conditions:
Hereditary cancer-predisposing syndrome. Also called: Neoplastic Syndromes, Hereditary; Tumor predisposition; Hereditary neoplastic syndrome; Hereditary Cancer Syndrome. Identifiers: Orphanet 140162, MedGen C0027672, MeSH D009386, MONDO:0015356.

gnomAD v4.1: 1 of 1,613,336 alleles (0.000062%); highest among the groups gnomAD compares: Non-Finnish European, 0.000085%; no homozygotes.

Submission:

Ambry Genetics
Classification: Uncertain significance for Hereditary cancer-predisposing syndrome. Last evaluated: 2026-07-07. Review status: criteria provided, single submitter. Criteria: Ambry Variant Classification Scheme 2023. Collection method: clinical testing. Allele origin: germline.
Comment: The p.T1306K variant (also known as c.3917C>A), located in coding exon 23 of the PTCH1 gene, results from a C to A substitution at nucleotide position 3917. The threonine at codon 1306 is replaced by lysine, an amino acid with similar properties. This amino acid position is conserved. In addition, this alteration is predicted to be deleterious by in silico analysis. Based on the available evidence, the clinical significance of this variant remains unclear.

NM_000264.5(PTCH1):c.4115C>A (p.Thr1372Lys)

Gene: PTCH1 (patched 1; minus strand). Cytogenetic location: 9q22.32.
Variant type: single nucleotide variant.
Coding change: c.4115C>A on transcript NM_000264.5 (MANE Select); coding-DNA position 4115, C replaced by A.
Protein change: p.Thr1372Lys; replaces threonine 1372 with lysine.
Molecular consequence: missense variant. On other transcripts: non-coding transcript variant (1).
Genome position (GRCh38, 1-based): chr9:95,447,141, G>T on the plus strand (C>A on the coding strand, the complement: PTCH1 is on the minus strand). VCF-style: chr9-95447141-G-T. GRCh37 (hg19) VCF-style: chr9-98209423-G-T.
Other names: c.3959C>A, p.Thr1320Lys (NM_001354918.2); c.3917C>A, p.Thr1306Lys (NM_001083602.3); c.4112C>A, p.Thr1371Lys (NM_001083603.3); c.3662C>A, p.Thr1221Lys (NM_001083604.3, NM_001083605.3, NM_001083606.3 and 1 more transcripts); short protein forms T1221K, T1320K, T1371K, T1306K, T1372K.
Identifiers: ClinVar variation 5027503 (VCV005027503.1).